The following is an entry in ClinVar:

NM_000051.4(ATM):c.8034_8037del (p.Asn2679fs)

Genes: ATM (ATM serine/threonine kinase; plus strand), C11orf65 (chromosome 11 open reading frame 65; minus strand). Cytogenetic location: 11q22.3.
Variant type: Deletion.
Coding change: c.8034_8037del on transcript NM_000051.4 (MANE Select); coding-DNA positions 8034 to 8037, 4 bases deleted (AAAT; older notation c.8034_8037delAAAT).
Protein change: p.Asn2679fs; shifts the reading frame from asparagine 2679.
Molecular consequence: frameshift variant. On other transcripts: intron variant (2).
Genome position (GRCh38, 1-based): chr11:108,334,992-108,334,995, AAAT deleted. VCF-style (leftmost placement, unchanged base first): chr11-108334991-GAAAT-G. GRCh37 (hg19) VCF-style: chr11-108205718-GAAAT-G.
Other names: c.8034_8037del, p.Asn2679fs (NM_001351834.2); c.641-25924_641-25921del (NM_001330368.2); c.*38+225_*38+228del (NM_001351110.2); short protein forms N2679fs.
Identifiers: ClinVar variation 3451459 (VCV003451459.1).

ClinVar aggregate classification (germline): Pathogenic (1 of 4 stars; one submission).

Conditions:
Hereditary cancer-predisposing syndrome. Also called: Tumor predisposition; Hereditary Cancer Syndrome; Neoplastic Syndromes, Hereditary; Hereditary neoplastic syndrome. Identifiers: Orphanet 140162, MedGen C0027672, MeSH D009386, MONDO:0015356.

Submission:

Ambry Genetics
Classification: Pathogenic for Hereditary cancer-predisposing syndrome. Last evaluated: 2024-09-30. Review status: criteria provided, single submitter. Criteria: Ambry Variant Classification Scheme 2023. Collection method: clinical testing. Allele origin: germline.
Comment: The c.8034_8037delAAAT pathogenic mutation, located in coding exon 54 of the ATM gene, results from a deletion of 4 nucleotides at nucleotide positions 8034 to 8037, causing a translational frameshift with a predicted alternate stop codon (p.N2679Wfs*2). This variant is considered to be rare based on population cohorts in the Genome Aggregation Database (gnomAD). This alteration is expected to result in loss of function by premature protein truncation or nonsense-mediated mRNA decay. As such, this alteration is interpreted as a disease-causing mutation.